The following is an entry in ClinVar:

ClinVar aggregate classification (germline): Benign (3 of 4 stars; one submission).

Conditions:
Breast-ovarian cancer, familial, susceptibility to, 2 (BROVCA2). Also called: BRCA2 Hereditary Breast and Ovarian Cancer. Identifiers: Orphanet 145, MedGen C2675520, MONDO:0012933, OMIM 612555. Disease mechanism: loss of function.

Submission:

Evidence-based Network for the Interpretation of Germline Mutant Alleles (ENIGMA)
Classification: Benign for Breast-ovarian cancer, familial, susceptibility to, 2. Last evaluated: 2016-09-28. Review status: reviewed by expert panel. Criteria: ENIGMA BRCA1/2 Classification Criteria (2015). Collection method: curation. Allele origin: germline.
Comment: Class 1 not pathogenic based on frequency >1% in an outbred sampleset. Frequency 0.0398 (European), 0.0356 (African), 0.098 (Admixed American/Latino), 0.1012 (East Asian), 0.1329 (South Asian), derived from 1000 genomes (2013-05-02).

NM_000059.4(BRCA2):c.6842-839dup

Gene: BRCA2 (BRCA2 DNA repair associated; plus strand). Cytogenetic location: 13q13.1.
Variant type: Duplication.
Coding change: c.6842-839dup on transcript NM_000059.4 (MANE Select); 839 bases into the intron before coding-DNA position 6842, one base duplicated (A; older notation c.6842-839dupA).
Molecular consequence: intron variant.
Genome position (GRCh38, 1-based): chr13:32,343,719, A duplicated; the last of 10 consecutive A bases (chr13:32,343,710-32,343,719); duplicating any one gives the same sequence. VCF-style (leftmost placement, unchanged base first): chr13-32343709-G-GA. GRCh37 (hg19) VCF-style: chr13-32917846-G-GA.
Identifiers: ClinVar variation 264947 (VCV000264947.1), dbSNP rs139939339, ClinGen allele CA10588102.